The following is an entry in ClinVar:

NM_000540.3(RYR1):c.11557G>C (p.Glu3853Gln)

Gene: RYR1 (ryanodine receptor 1; plus strand). Cytogenetic location: 19q13.2.
Variant type: single nucleotide variant.
Coding change: c.11557G>C on transcript NM_000540.3 (MANE Select); coding-DNA position 11557, G replaced by C.
Protein change: p.Glu3853Gln; replaces glutamic acid 3853 with glutamine.
Molecular consequence: missense variant.
Genome position (GRCh38, 1-based): chr19:38,536,037, G>C. VCF-style: chr19-38536037-G-C. GRCh37 (hg19) VCF-style: chr19-39026677-G-C.
Other names: c.11542G>C, p.Glu3848Gln (NM_001042723.2); short protein forms E3853Q, E3848Q.
Identifiers: ClinVar variation 2694212 (VCV002694212.3), dbSNP rs145087576, ClinGen allele CA080338.

ClinVar aggregate classification (germline): Likely pathogenic (1 of 4 stars; one submission).

Conditions:
RYR1-related disorder. Also called: RYR1-related condition; RYR1-related disorders. Identifiers: MedGen CN239331.

Submission:

Labcorp Genetics (formerly Invitae), Labcorp
Classification: Likely pathogenic for RYR1-related disorder. Last evaluated: 2023-11-07. Review status: criteria provided, single submitter. Criteria: Invitae Variant Classification Sherloc (09022015). Collection method: clinical testing. Allele origin: germline.
Comment: This sequence change replaces glutamic acid, which is acidic and polar, with glutamine, which is neutral and polar, at codon 3853 of the RYR1 protein (p.Glu3853Gln). This variant is not present in population databases (gnomAD no frequency). This variant has not been reported in the literature in individuals affected with RYR1-related conditions. Advanced modeling of protein sequence and biophysical properties (such as structural, functional, and spatial information, amino acid conservation, physicochemical variation, residue mobility, and thermodynamic stability) performed at Invitae indicates that this missense variant is expected to disrupt RYR1 protein function with a positive predictive value of 95%. This variant disrupts the p.Glu3853 amino acid residue in RYR1. Other variant(s) that disrupt this residue have been determined to be pathogenic (PMID: 22526018; Invitae). This suggests that this residue is clinically significant, and that variants that disrupt this residue are likely to be disease-causing. In summary, the currently available evidence indicates that the variant is pathogenic, but additional data are needed to prove that conclusively. Therefore, this variant has been classified as Likely Pathogenic.

Literature cited by the submitters: PubMed 22526018.